The following is an entry in ClinVar:

NM_000062.3(SERPING1):c.1211C>G (p.Thr404Arg)

Gene: SERPING1 (serpin family G member 1; plus strand). Cytogenetic location: 11q12.1.
Variant type: single nucleotide variant.
Coding change: c.1211C>G on transcript NM_000062.3 (MANE Select); coding-DNA position 1211, C replaced by G.
Protein change: p.Thr404Arg; replaces threonine 404 with arginine.
Molecular consequence: missense variant.
Genome position (GRCh38, 1-based): chr11:57,611,898, C>G. VCF-style: chr11-57611898-C-G. GRCh37 (hg19) VCF-style: chr11-57379371-C-G.
Other names: c.1211C>G, p.Thr404Arg (NM_001032295.2); short protein forms T404R.
Identifiers: ClinVar variation 2158725 (VCV002158725.6), dbSNP rs373751057, ClinGen allele CA6008243.

ClinVar aggregate classification (germline): Uncertain significance. Review status: criteria provided, multiple submitters, no conflicts (2 of 4 stars). 3 submissions from 3 submitters: Uncertain significance (3). Last evaluated 2025-12-02.

Allele frequency attached by ClinVar (database versions not stated): ESP Exome Variant Server 0.00008.
gnomAD v4.1: 40 of 1,614,126 alleles (0.0025%); highest among the groups gnomAD compares: Non-Finnish European, 0.0034%; no homozygotes.

Submissions (3):

Labcorp Genetics (formerly Invitae), Labcorp
Classification: Uncertain significance. Last evaluated: 2025-12-02. Review status: criteria provided, single submitter. Criteria: Invitae Variant Classification Sherloc (09022015). Collection method: clinical testing. Allele origin: germline.
Comment: This sequence change replaces threonine, which is neutral and polar, with arginine, which is basic and polar, at codon 404 of the SERPING1 protein (p.Thr404Arg). This variant is present in population databases (rs373751057, gnomAD 0.004%). This variant has not been reported in the literature in individuals affected with SERPING1-related conditions. ClinVar contains an entry for this variant (Variation ID: 2158725). Invitae Evidence Modeling of protein sequence and biophysical properties (such as structural, functional, and spatial information, amino acid conservation, physicochemical variation, residue mobility, and thermodynamic stability) indicates that this missense variant is not expected to disrupt SERPING1 protein function with a negative predictive value of 80%. In summary, the available evidence is currently insufficient to determine the role of this variant in disease. Therefore, it has been classified as a Variant of Uncertain Significance.

GeneDx
Classification: Uncertain significance. Last evaluated: 2025-02-12. Review status: criteria provided, single submitter. Criteria: GeneDx Variant Classification Process June 2021. Collection method: clinical testing. Allele origin: germline. Affected: yes.
Comment: In silico analysis indicates that this missense variant does not alter protein structure/function; Has not been previously published as pathogenic or benign to our knowledge; In silico analysis suggests this variant may impact gene splicing; in the absence of RNA/functional studies, the actual effect of this sequence change is unknown

Blueprint Genetics
Classification: Uncertain significance. Last evaluated: 2024-07-30. Review status: criteria provided, single submitter. Criteria: ACMG Guidelines, 2015. Collection method: clinical testing. Allele origin: germline.